The following is an entry in ClinVar:

ClinVar aggregate classification (germline): Conflicting classifications of pathogenicity. Review status: criteria provided, conflicting classifications (1 of 4 stars). 8 submissions from 8 submitters: Uncertain significance (2); Likely benign (3). 3 of the submissions do not count toward it. Last evaluated 2026-06-26.

Conditions:
MSH6-related disorder. Also called: MSH6-Related disorders; MSH6-related condition.
Lynch syndrome. Identifiers: Orphanet 144, MedGen C4552100, MONDO:0005835. Disease mechanism: loss of function.
Lynch syndrome 5 (LYNCH5). Also called: Colorectal cancer, hereditary nonpolyposis, type 5; Hereditary non-polyposis colorectal cancer, type 5. Identifiers: Orphanet 144, MedGen C1833477, MONDO:0013710, OMIM 614350. Disease mechanism: loss of function.
Inherited ovarian cancer (without breast cancer).
Hereditary cancer-predisposing syndrome. Also called: Neoplastic Syndromes, Hereditary; Hereditary Cancer Syndrome; Tumor predisposition; Hereditary neoplastic syndrome. Identifiers: Orphanet 140162, MedGen C0027672, MeSH D009386, MONDO:0015356.

Submissions (8):

Cambridge Genomics Laboratory, East Genomic Laboratory Hub, NHS Genomic Medicine Service
Classification: Uncertain significance for Inherited ovarian cancer (without breast cancer). Last evaluated: 2026-06-26. Review status: criteria provided, single submitter. Criteria: ACGS Best Practice Guidelines for Variant Classification in Rare Disease 2020. Collection method: clinical testing. Allele origin: germline. Affected: yes.

Center for Genomic Medicine, Rigshospitalet, Copenhagen University Hospital
Classification: Likely benign. Last evaluated: 2025-03-04. Review status: criteria provided, single submitter. Criteria: ACMG Guidelines, 2015. Collection method: clinical testing. Allele origin: germline.

Blueprint Genetics
Classification: Likely benign. Last evaluated: 2024-11-19. Review status: criteria provided, single submitter. Criteria: ACMG Guidelines, 2015. Collection method: clinical testing. Allele origin: germline.

Color Diagnostics, LLC DBA Color Health
Classification: Likely benign for Hereditary cancer-predisposing syndrome. Last evaluated: 2022-01-02. Review status: criteria provided, single submitter. Criteria: ACMG Guidelines, 2015. Collection method: clinical testing. Allele origin: germline.

Quest Diagnostics Nichols Institute San Juan Capistrano
Classification: Uncertain significance. Last evaluated: 2017-10-03. Review status: criteria provided, single submitter. Criteria: Quest Diagnostics criteria. Collection method: clinical testing. Allele origin: germline.

PreventionGenetics, part of Exact Sciences
Classification: Likely benign for MSH6-related condition. Last evaluated: 2019-09-16. Review status: no assertion criteria provided. Collection method: clinical testing. Allele origin: germline. Not counted in ClinVar's aggregate classification.
Comment: This variant is classified as likely benign based on ACMG/AMP sequence variant interpretation guidelines (Richards et al. 2015 PMID: 25741868, with internal and published modifications).

Counsyl
Classification: Uncertain significance for Lynch syndrome 5. Last evaluated: 2017-10-16. Review status: no assertion criteria provided. Collection method: clinical testing. Allele origin: unknown. Not counted in ClinVar's aggregate classification.

Laboratory for Molecular Medicine, Mass General Brigham Personalized Medicine
No classification provided. Condition: Lynch Syndrome. Last evaluated: 2011-09-21. Review status: no classification provided. Collection method: clinical testing. Allele origin: germline. Observed: 1 variant allele. Not counted in ClinVar's aggregate classification.
Comment: Outside test coverage region (UNCLASSIFED): The *20_*24del variant has not been reported or previously identified by our laboratory. This variant is located in the 3' UTR and its effect on gene expression cannot be determine at this time. Therefore, this variant is of unknown clinical significance.

Literature cited by the submitters: PubMed 22949379 (cited by Counsyl).

NM_000179.3(MSH6):c.*24_*28del

Gene: MSH6 (mutS homolog 6; plus strand). Cytogenetic location: 2p16.3.
Variant type: Deletion.
Coding change: c.*24_*28del on transcript NM_000179.3 (MANE Select); 24 bases downstream of the stop codon through 28 bases downstream of the stop codon, 5 bases deleted (GTTGA; older notation c.*24_*28delGTTGA).
Molecular consequence: 3 prime UTR variant.
Genome position (GRCh38, 1-based): chr2:47,806,884-47,806,888, GTTGA deleted; deleting any 5 consecutive bases within chr2:47,806,880-47,806,888 gives the same sequence; the c. name uses the placement nearest the transcript's 3' end. VCF-style (leftmost placement, unchanged base first): chr2-47806879-TTTGAG-T. GRCh37 (hg19) VCF-style: chr2-48034018-TTTGAG-T.
Other names: c.*24_*28del (NM_001281492.2, NM_001281493.2, NM_001281494.2); c.*24_*28delGTTGA (NM_000179.3, NM_000179.2).
Identifiers: ClinVar variation 89151 (VCV000089151.23), dbSNP rs587779200, ClinGen allele CA010262.